The following is an entry in ClinVar:

NM_002500.5(NEUROD1):c.616C>A (p.His206Asn)

Gene: NEUROD1 (neuronal differentiation 1; minus strand). Cytogenetic location: 2q31.3.
Variant type: single nucleotide variant.
Coding change: c.616C>A on transcript NM_002500.5 (MANE Select); coding-DNA position 616, C replaced by A.
Protein change: p.His206Asn; replaces histidine 206 with asparagine.
Molecular consequence: missense variant.
Genome position (GRCh38, 1-based): chr2:181,678,245, G>T on the plus strand (C>A on the coding strand, the complement: NEUROD1 is on the minus strand). VCF-style: chr2-181678245-G-T. GRCh37 (hg19) VCF-style: chr2-182542972-G-T.
Other names: short protein forms H206N.
Identifiers: ClinVar variation 1001015 (VCV001001015.10), dbSNP rs201174472, ClinGen allele CA2011102.

ClinVar aggregate classification (germline): Uncertain significance. Review status: criteria provided, multiple submitters, no conflicts (2 of 4 stars). 3 submissions from 3 submitters: Uncertain significance (3). Last evaluated 2025-10-09.

Conditions:
Maturity-onset diabetes of the young type 6 (MODY6). Identifiers: Orphanet 552, MedGen C1853371, MONDO:0011668, OMIM 606394.
Type 2 diabetes mellitus. Also called: Type II diabetes mellitus. Identifiers: MedGen C0011860, MeSH D003924, MONDO:0005148, OMIM 125853, HP:0005978.

gnomAD v4.1: 46 of 1,613,934 alleles (0.0029%); highest among the groups gnomAD compares: African/African-American, 0.008%; no homozygotes.

Submissions (3):

Labcorp Genetics (formerly Invitae), Labcorp
Classification: Uncertain significance. Last evaluated: 2025-10-09. Review status: criteria provided, single submitter. Criteria: Invitae Variant Classification Sherloc (09022015). Collection method: clinical testing. Allele origin: germline.
Comment: This sequence change replaces histidine, which is basic and polar, with asparagine, which is neutral and polar, at codon 206 of the NEUROD1 protein (p.His206Asn). This variant is present in population databases (rs201174472, gnomAD 0.008%). This variant has not been reported in the literature in individuals affected with NEUROD1-related conditions. ClinVar contains an entry for this variant (Variation ID: 1001015). An algorithm developed to predict the effect of missense changes on protein structure and function (PolyPhen-2) suggests that this variant is likely to be disruptive. In summary, the available evidence is currently insufficient to determine the role of this variant in disease. Therefore, it has been classified as a Variant of Uncertain Significance.

Fulgent Genetics
Classification: Uncertain significance for Type 2 diabetes mellitus; Maturity-onset diabetes of the young type 6. Last evaluated: 2024-01-30. Review status: criteria provided, single submitter. Criteria: ACMG Guidelines, 2015. Collection method: clinical testing. Allele origin: germline.

ARUP Laboratories, Molecular Genetics and Genomics, ARUP Laboratories
Classification: Uncertain significance. Last evaluated: 2022-03-23. Review status: criteria provided, single submitter. Criteria: ARUP Molecular Germline Variant Investigation Process 2021. Collection method: clinical testing. Allele origin: germline.
Comment: The NEUROD1 c.616C>A; p.His206Asn variant (rs201174472), to our knowledge, is not reported in the medical literature, but is reported in ClinVar (Variation ID: 1001015). This variant is found in the general population with an overall allele frequency of 0.004% (10/282032 alleles) in the Genome Aggregation Database. The histidine at codon 206 is highly conserved, but computational analyses predict that this variant is neutral (REVEL: 0.133). Due to limited information, the clinical significance of the p.His206Asn variant is uncertain at this time.